The following is an entry in ClinVar:

NM_024411.5(PDYN):c.220C>G (p.Leu74Val)

Genes: PDYN (prodynorphin; minus strand), PDYN-AS1 (PDYN antisense RNA 1; plus strand). Cytogenetic location: 20p13.
Variant type: single nucleotide variant.
Coding change: c.220C>G on transcript NM_024411.5 (MANE Select); coding-DNA position 220, C replaced by G.
Protein change: p.Leu74Val; replaces leucine 74 with valine.
Molecular consequence: missense variant.
Genome position (GRCh38, 1-based): chr20:1,980,868, G>C on the plus strand (C>G on the coding strand, the complement: PDYN is on the minus strand). VCF-style: chr20-1980868-G-C. GRCh37 (hg19) VCF-style: chr20-1961514-G-C.
Other names: c.220C>G, p.Leu74Val (NM_001190892.1, NM_001190898.3, NM_001190899.2 and 1 more transcripts); short protein forms L74V.
Identifiers: ClinVar variation 3660622 (VCV003660622.2).

ClinVar aggregate classification (germline): Uncertain significance (1 of 4 stars; one submission).

Submission:

Labcorp Genetics (formerly Invitae), Labcorp
Classification: Uncertain significance. Last evaluated: 2024-08-13. Review status: criteria provided, single submitter. Criteria: Invitae Variant Classification Sherloc (09022015). Collection method: clinical testing. Allele origin: germline.
Comment: This sequence change replaces leucine, which is neutral and non-polar, with valine, which is neutral and non-polar, at codon 74 of the PDYN protein (p.Leu74Val). This variant is not present in population databases (gnomAD no frequency). This variant has not been reported in the literature in individuals affected with PDYN-related conditions. Advanced modeling of protein sequence and biophysical properties (such as structural, functional, and spatial information, amino acid conservation, physicochemical variation, residue mobility, and thermodynamic stability) performed at Invitae indicates that this missense variant is not expected to disrupt PDYN protein function with a negative predictive value of 80%. In summary, the available evidence is currently insufficient to determine the role of this variant in disease. Therefore, it has been classified as a Variant of Uncertain Significance.